The following is an entry in ClinVar:

NM_024422.6(DSC2):c.-22C>T

Genes: DSC2 (desmocollin 2; minus strand), DSCAS (DSC1/DSC2 antisense RNA; plus strand). Cytogenetic location: 18q12.1.
Variant type: single nucleotide variant.
Coding change: c.-22C>T on transcript NM_024422.6 (MANE Select); 22 bases upstream of the start codon, C replaced by T.
Molecular consequence: 5 prime UTR variant.
Genome position (GRCh38, 1-based): chr18:31,101,993, G>A on the plus strand (C>T on the coding strand, the complement: DSC2 is on the minus strand). VCF-style: chr18-31101993-G-A. GRCh37 (hg19) VCF-style: chr18-28681956-G-A.
Other names: c.-22C>T (NM_004949.5).
Identifiers: ClinVar variation 387851 (VCV000387851.1), dbSNP rs1057522922, ClinGen allele CA16607914.

ClinVar aggregate classification (germline): Likely benign (1 of 4 stars; one submission).

Submission:

GeneDx
Classification: Likely benign. Last evaluated: 2016-07-20. Review status: criteria provided, single submitter. Criteria: GeneDx Variant Classification (06012015). Collection method: clinical testing. Allele origin: germline. Affected: yes.
Comment: This variant is considered likely benign or benign based on one or more of the following criteria: it is a conservative change, it occurs at a poorly conserved position in the protein, it is predicted to be benign by multiple in silico algorithms, and/or has population frequency not consistent with disease.